The following is an entry in ClinVar:

ClinVar aggregate classification (germline): Pathogenic. Review status: reviewed by expert panel (3 of 4 stars). 2 submissions from 2 submitters: Pathogenic (1). 1 of the submissions does not count toward it. Last evaluated 2017-12-15.

Conditions:
Familial cancer of breast. Also called: BREAST CANCER, FAMILIAL; Hereditary breast cancer; hereditary breast carcinoma. Identifiers: Orphanet 227535, MedGen C0346153, MONDO:0016419, OMIM 114480. Disease mechanism: loss of function.
Breast-ovarian cancer, familial, susceptibility to, 2 (BROVCA2). Also called: BRCA2 Hereditary Breast and Ovarian Cancer. Identifiers: Orphanet 145, MedGen C2675520, MONDO:0012933, OMIM 612555. Disease mechanism: loss of function.

Submissions (2):

Evidence-based Network for the Interpretation of Germline Mutant Alleles (ENIGMA)
Classification: Pathogenic for Breast-ovarian cancer, familial, susceptibility to, 2. Last evaluated: 2017-12-15. Review status: reviewed by expert panel. Criteria: ENIGMA BRCA1/2 Classification Criteria (2017-06-29). Collection method: curation. Allele origin: germline. Study: ENIGMA.
Comment: Variant allele predicted to encode a truncated non-functional protein.

ClinVar Staff, National Center for Biotechnology Information (NCBI)
No classification provided. Condition: Familial cancer of breast. Review status: no classification provided. Collection method: literature only. Allele origin: germline. Affected: yes. Not counted in ClinVar's aggregate classification.

Literature cited by the submitters: PubMed 17636422 (cited by ClinVar Staff, National Center for Biotechnology Information (NCBI)).

NM_000059.4(BRCA2):c.7166del (p.Arg2389fs)

Gene: BRCA2 (BRCA2 DNA repair associated; plus strand). Cytogenetic location: 13q13.1.
Variant type: Deletion.
Coding change: c.7166del on transcript NM_000059.4 (MANE Select); coding-DNA position 7166, one base deleted (G; older notation c.7166delG).
Protein change: p.Arg2389fs; shifts the reading frame from arginine 2389.
Molecular consequence: frameshift variant.
Genome position (GRCh38, 1-based): chr13:32,355,019, G deleted. VCF-style (leftmost placement, unchanged base first): chr13-32355018-AG-A. GRCh37 (hg19) VCF-style: chr13-32929155-AG-A.
Other names: c.7166delG (NM_000059.3); short protein forms R2389fs.
Identifiers: ClinVar variation 52276 (VCV000052276.3), dbSNP rs397507898, ClinGen allele CA024917.